The following is an entry in ClinVar:

NM_206933.4(USH2A):c.14074G>A (p.Gly4692Arg)

Gene: USH2A (usherin; minus strand). Cytogenetic location: 1q41.
Variant type: single nucleotide variant.
Coding change: c.14074G>A on transcript NM_206933.4 (MANE Select); coding-DNA position 14074, G replaced by A.
Protein change: p.Gly4692Arg; replaces glycine 4692 with arginine.
Molecular consequence: missense variant.
Genome position (GRCh38, 1-based): chr1:215,671,031, C>T on the plus strand (G>A on the coding strand, the complement: USH2A is on the minus strand). VCF-style: chr1-215671031-C-T. GRCh37 (hg19) VCF-style: chr1-215844373-C-T.
Other names: short protein forms G4692R.
Identifiers: ClinVar variation 48427 (VCV000048427.82), dbSNP rs45549044, ClinGen allele CA143334.

ClinVar aggregate classification (germline): Conflicting classifications of pathogenicity. Review status: criteria provided, conflicting classifications (1 of 4 stars). 16 submissions from 16 submitters: Uncertain significance (1); Benign (7); Likely benign (6). 2 of the submissions do not count toward it. Last evaluated 2026-09-02.

Conditions:
USH2A-related disorder. Also called: USH2A-related disorders; USH2A-related condition. Identifiers: MedGen CN239332.
Usher syndrome type 2A. Also called: RETINAL DISEASE IN USHER SYNDROME TYPE IIA, MODIFIER OF; USHER SYNDROME, TYPE IIA. Identifiers: Orphanet 231178, Orphanet 886, MedGen C1848634, MONDO:0010169, OMIM 276901.
Retinitis pigmentosa 39 (RP39). Identifiers: Orphanet 791, MedGen C3151138, MONDO:0013436, OMIM 613809.
Retinitis pigmentosa (RP). Identifiers: Orphanet 791, MedGen C0035334, MeSH D012174, MONDO:0019200, OMIM 268000. Inheritance: Autosomal dominant, autosomal recessive and X linked inheritance.

Allele frequency attached by ClinVar (database versions not stated): 1000 Genomes Project 0.00220; 1000 Genomes Project 30x 0.00234; TOPMed 0.00404; gnomAD 0.00419 and 0.00420; gnomAD exomes 0.00471 and 0.00675; ExAC 0.00478; ESP Exome Variant Server 0.00484.
gnomAD v4.1: 10,458 of 1,614,064 alleles (0.65%); highest among the groups gnomAD compares: Non-Finnish European, 0.79%; 41 homozygotes.

Submissions (24):

PreventionGenetics, part of Exact Sciences
Classification: Benign for USH2A-related condition. Last evaluated: 2026-09-02. Review status: criteria provided, single submitter. Criteria: ACMG Guidelines, 2015. Collection method: clinical testing. Allele origin: germline.
Comment: This variant is classified as benign based on ACMG/AMP sequence variant interpretation guidelines (Richards et al. 2015 PMID: 25741868, with internal and published modifications).

CeGaT Center for Human Genetics Tuebingen
Classification: Likely benign. Last evaluated: 2026-08-01. Review status: criteria provided, single submitter. Criteria: CeGaT Center For Human Genetics Tuebingen Variant Classification Criteria Version 2. Collection method: clinical testing. Allele origin: germline. Affected: yes. Observed: 28 variant alleles.
Comment: USH2A: BP4, BS2

Labcorp Genetics (formerly Invitae), Labcorp
Classification: Benign. Last evaluated: 2026-02-04. Review status: criteria provided, single submitter. Criteria: Invitae Variant Classification Sherloc (09022015). Collection method: clinical testing. Allele origin: germline.

Blueprint Genetics
Classification: Likely benign. Last evaluated: 2024-11-26. Review status: criteria provided, single submitter. Criteria: ACMG Guidelines, 2015. Collection method: clinical testing. Allele origin: germline.

Lab De Baere, Eye and Developmental Genetics Lab, Ghent University
Classification: Uncertain significance for Retinitis pigmentosa. Last evaluated: 2024-10-01. Review status: criteria provided, single submitter. Criteria: ACMG Guidelines, 2015. Collection method: research. Allele origin: inherited. Affected: yes. Observed: 1 variant allele.
Comment: ACMG/AMP guidelines: PM3_1

ARUP Laboratories, Molecular Genetics and Genomics, ARUP Laboratories
Classification: Benign. Last evaluated: 2023-11-09. Review status: criteria provided, single submitter. Criteria: ARUP Molecular Germline Variant Investigation Process 2024. Collection method: clinical testing. Allele origin: germline.

Women's Health and Genetics/Laboratory Corporation of America, LabCorp
Classification: Benign. Last evaluated: 2022-02-26. Review status: criteria provided, single submitter. Criteria: LabCorp Variant Classification Summary - May 2015. Collection method: clinical testing. Allele origin: germline.
Comment: Variant summary: USH2A c.14074G>A (p.Gly4692Arg) results in a non-conservative amino acid change located in the Fibronectin Type III domain (IPR003961) of the encoded protein sequence. Four of five in-silico tools predict a damaging effect of the variant on protein function. The variant allele was found at a frequency of 0.0047 in 250890 control chromosomes in the gnomAD database, including 6 homozygotes. Although reported in the literature, to our knowledge, no penetrant association of c.14074G>A in individuals affected with Usher Syndrome and no experimental evidence demonstrating its impact on protein function have been reported. Eight clinical diagnostic laboratories have submitted clinical-significance assessments for this variant to ClinVar after 2014 without evidence for independent evaluation. All laboratories classified the variant as benign/likely benign. Based on the evidence outlined above, the variant was classified as benign.

Fulgent Genetics
Classification: Likely benign for Usher syndrome type 2A; Retinitis pigmentosa 39. Last evaluated: 2021-08-06. Review status: criteria provided, single submitter. Criteria: ACMG Guidelines, 2015. Collection method: clinical testing. Allele origin: unknown.

Genome-Nilou Lab
Classification: Likely benign for Usher syndrome type 2A. Last evaluated: 2021-07-01. Review status: criteria provided, single submitter. Criteria: ACMG Guidelines, 2015. Collection method: clinical testing. Allele origin: germline. Affected: no.

Athena Diagnostics
Classification: Likely benign. Last evaluated: 2019-05-20. Review status: criteria provided, single submitter. Criteria: Athena Diagnostics Criteria. Collection method: clinical testing. Allele origin: germline.

GeneDx
Classification: Benign. Last evaluated: 2018-07-24. Review status: criteria provided, single submitter. Criteria: GeneDx Variant Classification Process June 2021. Collection method: clinical testing. Allele origin: germline. Affected: yes.
Comment: This variant is associated with the following publications: (PMID: 22004887, 25333064, 25262649, 24944099, 26927203, 19129697, 30245029, 32707200)

Eurofins Ntd Llc (ga)
Classification: Benign. Last evaluated: 2015-02-09. Review status: criteria provided, single submitter. Criteria: EGL Classification Definitions 2015. Collection method: clinical testing. Allele origin: germline. Observed: 4 variant alleles, 4 heterozygotes.

Laboratory for Molecular Medicine, Mass General Brigham Personalized Medicine
Classification: Benign. Last evaluated: 2011-09-25. Review status: criteria provided, single submitter. Criteria: LMM Criteria. Collection method: clinical testing. Allele origin: germline. Observed: 17 variant alleles.
Comment: Gly4692Ar in Exon 64 of USH2A: This variant is not expected to have clinical sig nificance because it has been identified in 0.6% (53/8600) of European American chromosomes by the NHLBI Exome Sequencing Project (EVS/; rs45549044).

Breakthrough Genomics
Classification: Likely benign. Review status: criteria provided, single submitter. Criteria: ACMG Guidelines, 2015. Collection method: not provided. Allele origin: germline. Inheritance: Autosomal recessive inheritance. Affected: yes.

Natera, Inc.
Classification: Benign for Usher syndrome type 2A. Last evaluated: 2019-11-08. Review status: no assertion criteria provided. Collection method: clinical testing. Allele origin: germline. Not counted in ClinVar's aggregate classification.

Counsyl
Classification: Likely benign for Usher syndrome type 2A; Retinitis pigmentosa 39. Last evaluated: 2017-09-19. Review status: no assertion criteria provided. Collection method: clinical testing. Allele origin: unknown. Not counted in ClinVar's aggregate classification.

Dr. Peter K. Rogan Lab, Western University
No classification provided (evidence only). Condition: Clear cell carcinoma of kidney. Review status: no classification provided. Collection method: in vitro. Allele origin: not applicable. Functional consequence: retained intron. Not counted in ClinVar's aggregate classification.

Dr. Peter K. Rogan Lab, Western University
No classification provided (evidence only). Condition: Melanoma. Review status: no classification provided. Collection method: in vitro. Allele origin: not applicable. Functional consequence: retained intron. Not counted in ClinVar's aggregate classification.

Dr. Peter K. Rogan Lab, Western University
No classification provided (evidence only). Condition: Acute myeloid leukemia. Review status: no classification provided. Collection method: in vitro. Allele origin: not applicable. Functional consequence: retained intron. Not counted in ClinVar's aggregate classification.

Dr. Peter K. Rogan Lab, Western University
No classification provided (evidence only). Condition: Acute myeloid leukemia. Review status: no classification provided. Collection method: in vitro. Allele origin: not applicable. Functional consequence: retained intron. Not counted in ClinVar's aggregate classification.

Dr. Peter K. Rogan Lab, Western University
No classification provided (evidence only). Condition: Thyroid cancer, nonmedullary, 1. Review status: no classification provided. Collection method: in vitro. Allele origin: not applicable. Functional consequence: retained intron. Not counted in ClinVar's aggregate classification.

Dr. Peter K. Rogan Lab, Western University
No classification provided (evidence only). Condition: Thyroid cancer, nonmedullary, 1. Review status: no classification provided. Collection method: in vitro. Allele origin: not applicable. Functional consequence: retained intron. Not counted in ClinVar's aggregate classification.

Dr. Peter K. Rogan Lab, Western University
No classification provided (evidence only). Condition: Thyroid cancer, nonmedullary, 1. Review status: no classification provided. Collection method: in vitro. Allele origin: not applicable. Functional consequence: retained intron. Not counted in ClinVar's aggregate classification.

Dr. Peter K. Rogan Lab, Western University
No classification provided (evidence only). Condition: Thyroid cancer, nonmedullary, 1. Review status: no classification provided. Collection method: in vitro. Allele origin: not applicable. Functional consequence: retained intron. Not counted in ClinVar's aggregate classification.

Literature cited by the submitters: PubMed 20507924 (cited by 3 submitters); PubMed 22004887 (cited by Athena Diagnostics and Counsyl); PubMed 25333064 (cited by Athena Diagnostics and Counsyl); PubMed 26075083 (cited by Athena Diagnostics and Counsyl); PubMed 26927203 (cited by Athena Diagnostics and Counsyl); PubMed 22952768 (cited by Athena Diagnostics and Counsyl); PubMed 19129697 (cited by 3 submitters); PubMed 25262649 (cited by Athena Diagnostics and Counsyl); PubMed 28224992 (cited by Athena Diagnostics and Counsyl); PubMed 29551606 (cited by Athena Diagnostics).